The following is an entry in ClinVar:

ClinVar aggregate classification (germline): Uncertain significance (1 of 4 stars; one submission).

Submission:

GeneDx
Classification: Uncertain significance. Last evaluated: 2024-12-07. Review status: criteria provided, single submitter. Criteria: GeneDx Variant Classification Process June 2021. Collection method: clinical testing. Allele origin: germline. Affected: yes.
Comment: Not observed at significant frequency in large population cohorts (gnomAD); In silico analysis supports that this missense variant has a deleterious effect on protein structure/function; Has not been previously published as pathogenic or benign to our knowledge

NM_001470.4(GABBR1):c.53G>T (p.Gly18Val)

Gene: GABBR1 (gamma-aminobutyric acid type B receptor subunit 1; minus strand). Cytogenetic location: 6p22.1.
Variant type: single nucleotide variant.
Coding change: c.53G>T on transcript NM_001470.4 (MANE Select); coding-DNA position 53, G replaced by T.
Protein change: p.Gly18Val; replaces glycine 18 with valine.
Molecular consequence: missense variant. On other transcripts: 5 prime UTR variant (1).
Genome position (GRCh38, 1-based): chr6:29,632,333, C>A on the plus strand (G>T on the coding strand, the complement: GABBR1 is on the minus strand). VCF-style: chr6-29632333-C-A. GRCh37 (hg19) VCF-style: chr6-29600110-C-A.
Other names: c.-415G>T (NM_001319053.2); c.53G>T, p.Gly18Val (NM_021904.4); short protein forms G18V.
Identifiers: ClinVar variation 3901417 (VCV003901417.1).
Genomic context (GRCh38, chr6:29,632,333, plus strand): 5'-GGCCGGAGGTCGTCGAAGAAGGATGCACCTTCTGAGGTGGCGTTGGGGGTCTGCGCCCCG[C>A]CCGCGCCCGGGGGGCGGAGGAAGAGTGGCGCCAGTAGCAGCAGCAGCAACATCTAAGTGA-3'
Protein context (NP_001461.1, residues 8-28): APLFLRPPGA[Gly18Val]GAQTPNATSE